The following is an entry in ClinVar:

ClinVar aggregate classification (germline): Uncertain significance (1 of 4 stars; one submission).

gnomAD v4.1: 316 of 1,613,990 alleles (0.02%); highest among the groups gnomAD compares: Non-Finnish European, 0.026%; no homozygotes.

Submission:

GeneDx
Classification: Uncertain significance. Last evaluated: 2025-06-26. Review status: criteria provided, single submitter. Criteria: GeneDx Variant Classification Process June 2021. Collection method: clinical testing. Allele origin: germline. Affected: yes.
Comment: In silico analysis suggests that this missense variant does not alter protein structure/function; Has not been previously published as pathogenic or benign to our knowledge

NM_001256071.3(RNF213):c.11366T>C (p.Met3789Thr)

Genes: RNF213 (ring finger protein 213; plus strand), RNF213-AS1 (RNF213 antisense RNA 1; minus strand). Cytogenetic location: 17q25.3.
Variant type: single nucleotide variant.
Coding change: c.11366T>C on transcript NM_001256071.3 (MANE Select); coding-DNA position 11366, T replaced by C.
Protein change: p.Met3789Thr; replaces methionine 3789 with threonine.
Molecular consequence: missense variant.
Genome position (GRCh38, 1-based): chr17:80,363,112, T>C. VCF-style: chr17-80363112-T-C. GRCh37 (hg19) VCF-style: chr17-78336912-T-C.
Other names: c.11513T>C, p.Met3838Thr (NM_001410195.1, NM_020914.5); short protein forms M3789T, M3838T.
Identifiers: ClinVar variation 4540272 (VCV004540272.1).